The following is an entry in ClinVar:

ClinVar aggregate classification (germline): Uncertain significance. Review status: criteria provided, multiple submitters, no conflicts (2 of 4 stars). 3 submissions from 3 submitters: Uncertain significance (3). Last evaluated 2024-10-30.

Conditions:
Hereditary cancer-predisposing syndrome. Also called: Hereditary neoplastic syndrome; Tumor predisposition; Neoplastic Syndromes, Hereditary; Hereditary Cancer Syndrome. Identifiers: Orphanet 140162, MedGen C0027672, MeSH D009386, MONDO:0015356.

Submissions (3):

Color Diagnostics, LLC DBA Color Health
Classification: Uncertain significance for Hereditary cancer-predisposing syndrome. Last evaluated: 2024-10-30. Review status: criteria provided, single submitter. Criteria: ACMG Guidelines, 2015. Collection method: clinical testing. Allele origin: germline.
Comment: This variant causes the deletion of three nucleotides and insertion of three new nucleotides, resulting in a missense variant that replaces alanine with threonine at codon 692 of the CDH1 protein. To our knowledge, functional studies have not been reported for this variant. This variant has not been reported in individuals affected with CDH1-related disorders in the literature. The variant c.2074G>A, resulting in the same missense variant, has been observed in an individual affected with colorectal cancer (PMID: 27978560), an individual with an unspecified cancer (PMID: 29641532), and in a healthy population (PMID: 24728327). This variant has not been identified in the general population by the Genome Aggregation Database (gnomAD). The available evidence is insufficient to determine the role of this variant in disease conclusively. Therefore, this variant is classified as a Variant of Uncertain Significance.

Ambry Genetics
Classification: Uncertain significance for Hereditary cancer-predisposing syndrome. Last evaluated: 2024-06-26. Review status: criteria provided, single submitter. Criteria: Ambry Variant Classification Scheme 2023. Collection method: clinical testing. Allele origin: germline.
Comment: The c.2074_2076delGCTinsACC variant (also known as p.A692T), located in coding exon 13 of the CDH1 gene, results from an in-frame deletion of GCT and insertion of ACC at nucleotide positions 2074 to 2076. This results in the substitution of the alanine residue for a threonine residue at codon 692, an amino acid with similar properties. While this exact alteration has not been reported in the literature, another alteration resulting in the same p.A692T (c.2074G>A) was detected in 1/450 patients diagnosed with colorectal cancer before the age of fifty (Pearlman R et al. JAMA Oncol, 2017 Apr;3:464-471) and also in a cohort of 681 ancestrally diverse, healthy subjects who underwent whole genome sequencing and in a control individual from another study (Bodian DL et al. PLoS ONE 2014 Apr;9(4):e94554; Pritchard AL et al. PLoS One, 2018 Apr;13:e0194098). This amino acid position is poorly conserved in available vertebrate species. In addition, the in silico prediction for this alteration is inconclusive (Choi Y et al. PLoS ONE. 2012; 7(10):e46688). Based on the available evidence, the clinical significance of this variant remains unclear.

GeneDx
Classification: Uncertain significance. Last evaluated: 2015-08-31. Review status: criteria provided, single submitter. Criteria: GeneDx Variant Classification (06012015). Collection method: clinical testing. Allele origin: germline. Affected: yes.
Comment: This variant is denoted CDH1 c.2074_2076delGCTinsACC at the cDNA level and p.Ala692Thr (A692T) at the protein level. The normal sequence, with the bases that are deleted in braces and inserted in brackets, is GGCC[GCT][ACC]GGCG. The in frame deletion and insertion occurs on the same allele (in cis) and results in the missense change of an Alanine to a Threonine (GCT>ACC). While this combined deletion and insertion has not, to our knowledge, been published in the literature as pathogenic or benign, CDH1 Ala692Thr (by an alternate nucleotide change) was identified in 1/331 healthy European individuals undergoing whole exome sequencing (Bodian 2014). Neither CDH1 c.2074_2076delGCTinsACC nor Ala692Thr (by this or an alternate nucleotide change) were observed at significant allele frequency in the NHLBI Exome Sequencing Project. Since Alanine and Threonine differ in polarity, charge, size or other properties, this is considered a non-conservative amino acid substitution. CDH1 Ala692Thr occurs at a position that is not conserved and is located in the Cadherin 5 domain (Uniprot). In silico analyses predict that this variant is unlikely to alter protein structure or function. Based on currently available information, it is unclear whether CDH1 Ala692Thr is pathogenic or benign. We consider it to be a variant of uncertain significance.

Literature cited by the submitters: PubMed 24728327 (cited by Color Diagnostics, LLC DBA Color Health); PubMed 27978560 (cited by Color Diagnostics, LLC DBA Color Health); PubMed 29641532 (cited by Color Diagnostics, LLC DBA Color Health and Ambry Genetics).

NM_004360.5(CDH1):c.2074_2076delinsACC (p.Ala692Thr)

Gene: CDH1 (cadherin 1; plus strand). Cytogenetic location: 16q22.1.
Variant type: Indel.
Coding change: c.2074_2076delinsACC on transcript NM_004360.5 (MANE Select); coding-DNA positions 2074 to 2076, GCT replaced by ACC.
Protein change: p.Ala692Thr; replaces alanine 692 with threonine.
Molecular consequence: missense variant.
Genome position (GRCh38, 1-based): chr16:68,823,536-68,823,538, GCT replaced by ACC. VCF-style: chr16-68823536-GCT-ACC. GRCh37 (hg19) VCF-style: chr16-68857439-GCT-ACC.
Other names: c.2074_2076delGCTinsACC (LRG_301t1); c.1891_1893delinsACC, p.Ala631Thr (NM_001317184.2); c.526_528delinsACC, p.Ala176Thr (NM_001317185.2); c.109_111delinsACC, p.Ala37Thr (NM_001317186.2); short protein forms A631T, A176T, A692T, A37T.
Identifiers: ClinVar variation 419762 (VCV000419762.8), dbSNP rs1064794090, ClinGen allele CA16620255.
Genomic context (GRCh38, chr16:68,823,536, plus strand): 5'-AACCAGAATAAAGACCAAGTGACCACCTTAGAGGTCAGCGTGTGTGACTGTGAAGGGGCC[GCT>ACC]GGCGTCTGTAGGAAGGCACAGCCTGTCGAAGCAGGATTGCAAATTCCTGCCATTCTGGGG-3'
Protein context (NP_004351.1, residues 682-702): EVSVCDCEGA[Ala692Thr]GVCRKAQPVE